The following is an entry in ClinVar:

ClinVar aggregate classification (germline): Uncertain significance (1 of 4 stars; one submission).

Conditions:
Fanconi anemia (FA). Also called: Fanconi's anemia. Identifiers: Orphanet 84, MedGen C0015625, MeSH D005199, MONDO:0019391.

gnomAD v4.1: 1 of 1,611,810 alleles (0.000062%); highest among the groups gnomAD compares: East Asian, 0.0022%; no homozygotes.

Submission:

Labcorp Genetics (formerly Invitae), Labcorp
Classification: Uncertain significance for Fanconi anemia. Last evaluated: 2025-05-13. Review status: criteria provided, single submitter. Criteria: Invitae Variant Classification Sherloc (09022015). Collection method: clinical testing. Allele origin: germline.
Comment: This sequence change replaces asparagine, which is neutral and polar, with serine, which is neutral and polar, at codon 802 of the FANCM protein (p.Asn802Ser). This variant is not present in population databases (gnomAD no frequency). This variant has not been reported in the literature in individuals affected with FANCM-related conditions. An algorithm developed to predict the effect of missense changes on protein structure and function outputs the following: PolyPhen-2: "Benign". The serine amino acid residue is found in multiple mammalian species, which suggests that this missense change does not adversely affect protein function. In summary, the available evidence is currently insufficient to determine the role of this variant in disease. Therefore, it has been classified as a Variant of Uncertain Significance.

NM_020937.4(FANCM):c.2405A>G (p.Asn802Ser)

Gene: FANCM (FA complementation group M; plus strand). Cytogenetic location: 14q21.2.
Variant type: single nucleotide variant.
Coding change: c.2405A>G on transcript NM_020937.4 (MANE Select); coding-DNA position 2405, A replaced by G.
Protein change: p.Asn802Ser; replaces asparagine 802 with serine.
Molecular consequence: missense variant.
Genome position (GRCh38, 1-based): chr14:45,175,159, A>G. VCF-style: chr14-45175159-A-G. GRCh37 (hg19) VCF-style: chr14-45644362-A-G.
Other names: c.2327A>G, p.Asn776Ser (NM_001308133.2); short protein forms N802S, N776S.
Identifiers: ClinVar variation 4739263 (VCV004739263.1).